The following is an entry in ClinVar:

NM_007294.4(BRCA1):c.2550dup (p.Glu851Ter)

Gene: BRCA1 (BRCA1 DNA repair associated; minus strand). Cytogenetic location: 17q21.31.
Variant type: Duplication.
Coding change: c.2550dup on transcript NM_007294.4 (MANE Select); coding-DNA position 2550, one base duplicated (T; older notation c.2550dupT).
Protein change: p.Glu851Ter; replaces glutamic acid 851 with a stop codon.
Molecular consequence: nonsense. On other transcripts: intron variant (137).
Genome position (GRCh38, 1-based): chr17:43,092,981, A duplicated on the plus strand (T on the coding strand, the reverse complement: BRCA1 is on the minus strand). VCF-style (leftmost placement, unchanged base first): chr17-43092980-C-CA. GRCh37 (hg19) VCF-style: chr17-41244997-C-CA.
Other names: c.577+1763dup (NM_001408481.1, NM_001408480.1, NM_001408492.1 and 9 more transcripts); c.778+1763dup (NM_001408408.1); c.661+1763dup (NM_001408446.1, NM_001408435.1, NM_001408448.1 and 6 more transcripts); c.784+1763dup (NM_001408401.1, NM_001408396.1, NM_001407985.1 and 13 more transcripts); c.548-1949dup (NM_001408494.1); c.664+1763dup (NM_001408444.1, NM_001408438.1, NM_001408430.1 and 12 more transcripts); c.671-1949dup (NM_001408423.1, NM_001408420.1, NM_001408419.1 and 2 more transcripts); c.787+1763dup (NM_001408404.1, NM_001408472.1, NM_001407990.1 and 17 more transcripts); and 41 more; short protein forms E740*, E783*, E784*, E804*, E555*, E724*, E763*, E781*.
Identifiers: ClinVar variation 3726453 (VCV003726453.2).

ClinVar aggregate classification (germline): Pathogenic (1 of 4 stars; one submission).

Conditions:
Hereditary breast ovarian cancer syndrome. Also called: Hereditary breast and ovarian cancer syndrome; Hereditary breast and/or ovarian cancer syndrome; Hereditary breast and ovarian cancer; Hereditary breast and ovarian cancer syndrome (HBOC); Breast and ovarian cancer; BRCA1- and BRCA2-Associated Hereditary Breast and Ovarian Cancer. Identifiers: Orphanet 145, MedGen C0677776, MeSH D061325, MONDO:0003582. Disease mechanism: loss of function.

Submission:

Labcorp Genetics (formerly Invitae), Labcorp
Classification: Pathogenic for Hereditary breast ovarian cancer syndrome. Last evaluated: 2025-05-07. Review status: criteria provided, single submitter. Criteria: Invitae Variant Classification Sherloc (09022015). Collection method: clinical testing. Allele origin: germline.
Comment: This sequence change creates a premature translational stop signal (p.Glu851*) in the BRCA1 gene. It is expected to result in an absent or disrupted protein product. Loss-of-function variants in BRCA1 are known to be pathogenic (PMID: 20104584). This variant is not present in population databases (gnomAD no frequency). This variant has not been reported in the literature in individuals affected with BRCA1-related conditions. ClinVar contains an entry for this variant (Variation ID: 3726453). For these reasons, this variant has been classified as Pathogenic.

Literature cited by the submitters: PubMed 20104584.